The following is an entry in ClinVar:

ClinVar aggregate classification (germline): Uncertain significance (1 of 4 stars; one submission).

Submission:

GeneDx
Classification: Uncertain significance. Last evaluated: 2024-01-11. Review status: criteria provided, single submitter. Criteria: GeneDx Variant Classification Process June 2021. Collection method: clinical testing. Allele origin: germline. Affected: yes.
Comment: Not observed at significant frequency in large population cohorts (gnomAD); In silico analysis supports that this missense variant does not alter protein structure/function; Has not been previously published as pathogenic or benign to our knowledge

NM_001127178.3(PIGG):c.1687T>G (p.Leu563Val)

Gene: PIGG (phosphatidylinositol glycan anchor biosynthesis class G (EMM blood group); plus strand). Cytogenetic location: 4p16.3.
Variant type: single nucleotide variant.
Coding change: c.1687T>G on transcript NM_001127178.3 (MANE Select); coding-DNA position 1687, T replaced by G.
Protein change: p.Leu563Val; replaces leucine 563 with valine.
Molecular consequence: missense variant. On other transcripts: non-coding transcript variant (7).
Genome position (GRCh38, 1-based): chr4:523,531, T>G. VCF-style: chr4-523531-T-G. GRCh37 (hg19) VCF-style: chr4-517320-T-G.
Other names: c.1420T>G, p.Leu474Val (NM_001289051.2, NM_001345986.2); c.1288T>G, p.Leu430Val (NM_001289052.2); c.1396T>G, p.Leu466Val (NM_001345987.2); c.658T>G, p.Leu220Val (NM_001345988.2); c.154T>G, p.Leu52Val (NM_001345990.2, NM_001345991.2); c.589T>G, p.Leu197Val (NM_001345994.2); c.1663T>G, p.Leu555Val (NM_017733.5); short protein forms L197V, L220V, L430V, L466V, L474V, L52V, L555V, L563V.
Identifiers: ClinVar variation 3367694 (VCV003367694.1).